The following is an entry in ClinVar:

NM_006618.5(KDM5B):c.204+5G>C

Genes: KDM5B (lysine demethylase 5B; minus strand), LOC129932249 (ATAC-STARR-seq lymphoblastoid silent region 1705; plus strand). Cytogenetic location: 1q32.1.
Variant type: single nucleotide variant.
Coding change: c.204+5G>C on transcript NM_006618.5 (MANE Select); 5 bases into the intron after coding-DNA position 204, G replaced by C.
Molecular consequence: intron variant.
Genome position (GRCh38, 1-based): chr1:202,808,097, C>G on the plus strand (G>C on the coding strand, the complement: KDM5B is on the minus strand). VCF-style: chr1-202808097-C-G. GRCh37 (hg19) VCF-style: chr1-202777225-C-G.
Other names: c.189+20G>C (NM_001399817.1); c.204+5G>C (NM_001347591.2, NM_001314042.2).
Identifiers: ClinVar variation 1306422 (VCV001306422.4), dbSNP rs2102361085, ClinGen allele CA2573051468.
Genomic context (GRCh38, chr1:202,808,097, plus strand): 5'-GGACCCGCGCGTCCCCGCTCCCTCCCCCAGCCACGAGCTGGATCCGGGGTGCTGGCGTGA[C>G]TCACCGGCGGCGGCCGCACCTTACAGATGCCAGTCTGCTCGGCTATGGGCCGGATCTTGT-3'

ClinVar aggregate classification (germline): Uncertain significance (1 of 4 stars; one submission).

Submission:

GeneDx
Classification: Uncertain significance. Last evaluated: 2024-11-05. Review status: criteria provided, single submitter. Criteria: GeneDx Variant Classification Process June 2021. Collection method: clinical testing. Allele origin: germline. Affected: yes.
Comment: Not observed in large population cohorts (gnomAD); Intronic +5 splice site variant in a gene for which loss of function is a known mechanism of disease, and both splice predictors and evolutionary conservation support a deleterious effect, although in the absence of functional evidence the actual effect of this sequence change is unknown.; Has not been previously published as pathogenic or benign to our knowledge